The following is an entry in ClinVar:

NM_000038.6(APC):c.3498T>C (p.Tyr1166=)

Gene: APC (APC regulator of Wnt signaling pathway; plus strand). Cytogenetic location: 5q22.2.
Variant type: single nucleotide variant.
Coding change: c.3498T>C on transcript NM_000038.6 (MANE Select); coding-DNA position 3498, T replaced by C.
Protein change: p.Tyr1166=; no amino-acid change (tyrosine 1166 retained).
Molecular consequence: synonymous variant. On other transcripts: non-coding transcript variant (2).
Genome position (GRCh38, 1-based): chr5:112,839,092, T>C. VCF-style: chr5-112839092-T-C. GRCh37 (hg19) VCF-style: chr5-112174789-T-C.
Other names: c.3195T>C, p.Tyr1065= (NM_001407459.1, NM_001407460.1, NM_001407458.1 and 1 more transcripts); c.2649T>C, p.Tyr883= (NM_001407470.1, NM_001354906.2); c.3321T>C, p.Tyr1107= (NM_001407453.1, NM_001354901.2); c.3477T>C, p.Tyr1159= (NM_001407451.1); c.3468T>C, p.Tyr1156= (NM_001407452.1); c.3249T>C, p.Tyr1083= (NM_001407454.1, NM_001407455.1, NM_001407456.1 and 1 more transcripts); c.3552T>C, p.Tyr1184= (NM_001407449.1, NM_001407448.1, NM_001407447.1 and 1 more transcripts); c.3498T>C, p.Tyr1166= (NM_001407450.1, NM_001127510.3, NM_001354895.2); and 12 more.
Identifiers: ClinVar variation 2755396 (VCV002755396.5), dbSNP rs2533503173, ClinGen allele CA445963530.

ClinVar aggregate classification (germline): Benign/Likely benign. Review status: criteria provided, multiple submitters, no conflicts (2 of 4 stars). 3 submissions from 3 submitters: Benign (1); Likely benign (2). Last evaluated 2025-01-08.

Conditions:
Hereditary cancer-predisposing syndrome. Also called: Neoplastic Syndromes, Hereditary; Hereditary Cancer Syndrome; Tumor predisposition; Hereditary neoplastic syndrome. Identifiers: Orphanet 140162, MedGen C0027672, MeSH D009386, MONDO:0015356.
Familial adenomatous polyposis 1 (FAP1). Also called: POLYPOSIS, ADENOMATOUS INTESTINAL; FAMILIAL ADENOMATOUS POLYPOSIS 1, ATTENUATED. Identifiers: MedGen C2713442, MONDO:0021056, OMIM 175100. Disease mechanism: loss of function.

Submissions (3):

Ambry Genetics
Classification: Likely benign for Hereditary cancer-predisposing syndrome. Last evaluated: 2025-01-08. Review status: criteria provided, single submitter. Criteria: Ambry Variant Classification Scheme 2023. Collection method: clinical testing. Allele origin: germline.

Labcorp Genetics (formerly Invitae), Labcorp
Classification: Likely benign for Familial adenomatous polyposis 1. Last evaluated: 2024-12-02. Review status: criteria provided, single submitter. Criteria: Invitae Variant Classification Sherloc (09022015). Collection method: clinical testing. Allele origin: germline.

Myriad Genetics, Inc.
Classification: Benign for Familial adenomatous polyposis 1. Last evaluated: 2024-03-21. Review status: criteria provided, single submitter. Criteria: Myriad Autosomal Dominant, Autosomal Recessive and X-Linked Classification Criteria (2023). Collection method: clinical testing. Allele origin: unknown.
Comment: This variant is considered benign. This variant is a silent/synonymous amino acid change and it is not expected to impact splicing.